The following is an entry in ClinVar:

ClinVar aggregate classification (germline): Uncertain significance (1 of 4 stars; one submission).

Submission:

GeneDx
Classification: Uncertain significance. Last evaluated: 2016-11-22. Review status: criteria provided, single submitter. Criteria: GeneDx Variant Classification (06012015). Collection method: clinical testing. Allele origin: germline. Affected: yes.
Comment: A variant of uncertain significance has been identified in the SCN8A gene. The E1963K variant has not been published as a pathogenic variant, nor has it been reported as a benign variant to our knowledge. This variant is not observed in large population cohorts (Lek et al., 2016; McVean et al., 2012; Exome Variant Server). The E1963K variant is a non-conservative amino acid substitution that occurs at a conserved position within the cytoplasmic topological domain. In silico analysis is inconsistent in its predictions as to whether or not the variant is damaging to the protein structure/function. Therefore, based on the currently available information, it is unclear whether this variant is a pathogenic variant or a rare benign variant.

NM_001330260.2(SCN8A):c.5887G>A (p.Glu1963Lys)

Gene: SCN8A (sodium voltage-gated channel alpha subunit 8; plus strand). Cytogenetic location: 12q13.13.
Variant type: single nucleotide variant.
Coding change: c.5887G>A on transcript NM_001330260.2 (MANE Select); coding-DNA position 5887, G replaced by A.
Protein change: p.Glu1963Lys; replaces glutamic acid 1963 with lysine.
Molecular consequence: missense variant.
Genome position (GRCh38, 1-based): chr12:51,807,373, G>A. VCF-style: chr12-51807373-G-A. GRCh37 (hg19) VCF-style: chr12-52201157-G-A.
Other names: c.5764G>A, p.Glu1922Lys (NM_001177984.3, NM_001369788.1); c.5887G>A, p.Glu1963Lys (NM_014191.4); short protein forms E1963K, E1922K.
Identifiers: ClinVar variation 373225 (VCV000373225.1), dbSNP rs1057518294, ClinGen allele CA16042906.